The following is an entry in ClinVar:

NM_014244.5(ADAMTS2):c.759G>A (p.Ser253=)

Gene: ADAMTS2 (ADAM metallopeptidase with thrombospondin type 1 motif 2; minus strand). Cytogenetic location: 5q35.3.
Variant type: single nucleotide variant.
Coding change: c.759G>A on transcript NM_014244.5 (MANE Select); coding-DNA position 759, G replaced by A.
Protein change: p.Ser253=; no amino-acid change (serine 253 retained).
Molecular consequence: synonymous variant.
Genome position (GRCh38, 1-based): chr5:179,207,645, C>T on the plus strand (G>A on the coding strand, the complement: ADAMTS2 is on the minus strand). VCF-style: chr5-179207645-C-T. GRCh37 (hg19) VCF-style: chr5-178634646-C-T.
Other names: p.Ser253=; c.759G>A, p.Ser253= (NM_021599.4).
Identifiers: ClinVar variation 511710 (VCV000511710.35), dbSNP rs374180760, ClinGen allele CA3596171.
Genomic context (GRCh38, chr5:179,207,645, plus strand): 5'-GCCCAGCAGGACCTCGATGTTGTAGTCATCGTCCGCAGCATGCCTGCGTGCCCTCCGCCT[C>T]GAGCTGTTGGCGTGCTCCTCTAGGACGCCCAGGGCGCGGCTGAGGCTGTCCAGGCTGTCC-3'
Protein context (NP_055059.2, residues 243-263): LGVLEEHANS[Ser253=]RRRARRHAAD

ClinVar aggregate classification (germline): Conflicting classifications of pathogenicity. Review status: criteria provided, conflicting classifications (1 of 4 stars). 7 submissions from 7 submitters: Uncertain significance (1); Likely benign (6). Last evaluated 2026-02-01.

Conditions:
Ehlers-Danlos syndrome, dermatosparaxis type. Also called: Dermatosparaxis; Ehlers-Danlos syndrome, type VII, autosomal recessive; EDS VIIC. Identifiers: Orphanet 1901, MedGen C2700425, MONDO:0009161, OMIM 225410.
Ehlers-Danlos syndrome (EDS). Identifiers: Orphanet 98249, MedGen C0013720, MONDO:0020066.

Allele frequency attached by ClinVar (database versions not stated): gnomAD 0.00022; TOPMed 0.00028; ESP Exome Variant Server 0.00038.
gnomAD v4.1: 503 of 1,613,626 alleles (0.031%); highest among the groups gnomAD compares: Admixed American, 0.14%; 1 homozygote.

Submissions (7):

Labcorp Genetics (formerly Invitae), Labcorp
Classification: Likely benign for Ehlers-Danlos syndrome, dermatosparaxis type. Last evaluated: 2026-02-01. Review status: criteria provided, single submitter. Criteria: Invitae Variant Classification Sherloc (09022015). Collection method: clinical testing. Allele origin: germline.

Women's Health and Genetics/Laboratory Corporation of America, LabCorp
Classification: Likely benign. Last evaluated: 2025-05-26. Review status: criteria provided, single submitter. Criteria: LabCorp Variant Classification Summary - May 2015. Collection method: clinical testing. Allele origin: germline.

Mayo Clinic Laboratories, Mayo Clinic
Classification: Likely benign. Last evaluated: 2024-12-17. Review status: criteria provided, single submitter. Criteria: ACMG Guidelines, 2015. Collection method: clinical testing. Allele origin: germline. Observed: 6 variant alleles.
Comment: BS1, BP4, BP7

Blueprint Genetics
Classification: Likely benign. Last evaluated: 2024-10-07. Review status: criteria provided, single submitter. Criteria: ACMG Guidelines, 2015. Collection method: clinical testing. Allele origin: germline.

CeGaT Center for Human Genetics Tuebingen
Classification: Likely benign. Last evaluated: 2024-08-01. Review status: criteria provided, single submitter. Criteria: CeGaT Center For Human Genetics Tuebingen Variant Classification Criteria Version 2. Collection method: clinical testing. Allele origin: germline. Affected: yes. Observed: 1 variant allele.
Comment: ADAMTS2: BP4, BP7

GeneDx
Classification: Likely benign. Last evaluated: 2020-11-25. Review status: criteria provided, single submitter. Criteria: GeneDx Variant Classification Process June 2021. Collection method: clinical testing. Allele origin: germline. Affected: yes.

Genome Diagnostics Laboratory, The Hospital for Sick Children
Classification: Uncertain significance for Ehlers-Danlos syndrome. Last evaluated: 2020-10-15. Review status: criteria provided, single submitter. Criteria: ACMG Guidelines, 2015. Collection method: clinical testing. Allele origin: germline.